The following is an entry in ClinVar:

ClinVar aggregate classification (germline): Uncertain significance (1 of 4 stars; one submission).

Conditions:
Inborn genetic diseases. Identifiers: MedGen C0950123, MeSH D030342.

gnomAD v4.1: 1 of 1,610,758 alleles (0.000062%); no homozygotes.

Submission:

Ambry Genetics
Classification: Uncertain significance for Inborn genetic diseases. Last evaluated: 2025-10-13. Review status: criteria provided, single submitter. Criteria: Ambry Variant Classification Scheme 2023. Collection method: clinical testing. Allele origin: germline.
Comment: The p.A266V variant (also known as c.797C>T), located in coding exon 7 of the PAX5 gene, results from a C to T substitution at nucleotide position 797. The alanine at codon 266 is replaced by valine, an amino acid with similar properties. This amino acid position is conserved. In addition, this alteration is predicted to be deleterious by in silico analysis. Based on the available evidence, the clinical significance of this variant remains unclear.

NM_016734.3(PAX5):c.797C>T (p.Ala266Val)

Gene: PAX5 (paired box 5; minus strand). Cytogenetic location: 9p13.2.
Variant type: single nucleotide variant.
Coding change: c.797C>T on transcript NM_016734.3 (MANE Select); coding-DNA position 797, C replaced by T.
Protein change: p.Ala266Val; replaces alanine 266 with valine.
Molecular consequence: missense variant. On other transcripts: intron variant (2).
Genome position (GRCh38, 1-based): chr9:36,923,468, G>A on the plus strand (C>T on the coding strand, the complement: PAX5 is on the minus strand). VCF-style: chr9-36923468-G-A. GRCh37 (hg19) VCF-style: chr9-36923465-G-A.
Other names: c.797C>T, p.Ala266Val (NM_001280547.2, NM_001280548.2, NM_001280552.2); c.473C>T, p.Ala158Val (NM_001280551.2, NM_001280556.2); c.668C>T, p.Ala223Val (NM_001280553.2, NM_001280554.2); c.599C>T, p.Ala200Val (NM_001280555.2); c.780+43081C>T (NM_001280550.2, NM_001280549.2); short protein forms A158V, A200V, A266V, A223V.
Identifiers: ClinVar variation 4626945 (VCV004626945.1).